The following is an entry in ClinVar:

ClinVar aggregate classification (germline): Pathogenic (1 of 4 stars; one submission).

Conditions:
Multiple congenital exostosis (EXT). Also called: MULTIPLE CARTILAGINOUS EXOSTOSES; Hereditary multiple exostoses; Hereditary multiple exostosis; Multiple exostoses; Multiple osteochondromas; Hereditary multiple osteochondromas. Identifiers: Orphanet 321, MedGen C0015306, MONDO:0005508, HP:0002762.

Submission:

Labcorp Genetics (formerly Invitae), Labcorp
Classification: Pathogenic for Multiple congenital exostosis. Last evaluated: 2024-01-06. Review status: criteria provided, single submitter. Criteria: Invitae Variant Classification Sherloc (09022015). Collection method: clinical testing. Allele origin: germline.
Comment: This sequence change affects a donor splice site in intron 3 of the EXT1 gene. It is expected to disrupt RNA splicing. Variants that disrupt the donor or acceptor splice site typically lead to a loss of protein function (PMID: 16199547), and loss-of-function variants in EXT1 are known to be pathogenic (PMID: 10679937, 11391482, 19810120). This variant is not present in population databases (gnomAD no frequency). Disruption of this splice site has been observed in individual(s) with multiple osteochondromas (PMID: 28604967). In at least one individual the variant was observed to be de novo. ClinVar contains an entry for this variant (Variation ID: 2136699). Algorithms developed to predict the effect of sequence changes on RNA splicing suggest that this variant may disrupt the consensus splice site. For these reasons, this variant has been classified as Pathogenic.

Literature cited by the submitters: PubMed 16199547; PubMed 10679937; PubMed 11391482; PubMed 19810120; PubMed 28604967.

NM_000127.3(EXT1):c.1164+1G>T

Gene: EXT1 (exostosin glycosyltransferase 1; minus strand). Cytogenetic location: 8q24.11.
Variant type: single nucleotide variant.
Coding change: c.1164+1G>T on transcript NM_000127.3 (MANE Select); the canonical splice donor site of the intron after coding-DNA position 1164, G replaced by T.
Molecular consequence: splice donor variant.
Genome position (GRCh38, 1-based): chr8:117,835,443, C>A on the plus strand (G>T on the coding strand, the complement: EXT1 is on the minus strand). VCF-style: chr8-117835443-C-A. GRCh37 (hg19) VCF-style: chr8-118847682-C-A.
Identifiers: ClinVar variation 2136699 (VCV002136699.4), dbSNP rs2129786098, ClinGen allele CA371891752.